The following continues an entry in ClinVar:

NM_007294.4(BRCA1):c.5504G>A (p.Arg1835Gln)

Gene: BRCA1. ClinVar aggregate classification (germline): Conflicting classifications of pathogenicity. Uncertain significance (11); Likely benign (3).

Submissions 18 to 20 of 20:

Breast Cancer Information Core (BIC) (BRCA1)
Classification: Uncertain significance for Breast-ovarian cancer, familial 1. Last evaluated: 2010-09-18. Review status: no assertion criteria provided. Collection method: clinical testing. Allele origin: germline. Affected: yes. Observed: 2 variant alleles. Not counted in ClinVar's aggregate classification.

Sharing Clinical Reports Project (SCRP)
Classification: Uncertain significance for Breast-ovarian cancer, familial 1. Last evaluated: 2009-07-06. Review status: no assertion criteria provided. Collection method: clinical testing. Allele origin: germline. Not counted in ClinVar's aggregate classification.

Brotman Baty Institute, University of Washington
No classification provided (evidence only). Condition: Breast-ovarian cancer, familial 1. Review status: no classification provided. Collection method: in vitro. Allele origin: not applicable. Functional consequence: function_uncertain_variant. Not counted in ClinVar's aggregate classification.
ClinVar note: "not provided" was previously submitted as the classification for the variant. However, the classification appeared to be based only on an observation of functional data so it was converted to no classification on 2025-07-30.

Literature cited by the submitters: PubMed 18627636 (cited by 6 submitters); PubMed 26689913 (cited by 6 submitters); PubMed 28781887 (cited by 6 submitters); PubMed 30209399 (cited by 5 submitters); PubMed 29681614 (cited by Quest Diagnostics Nichols Institute San Juan Capistrano and Ambry Genetics); PubMed 30702160 (cited by Quest Diagnostics Nichols Institute San Juan Capistrano and Ambry Genetics); PubMed 30765603 (cited by Quest Diagnostics Nichols Institute San Juan Capistrano); PubMed 31825140 (cited by Quest Diagnostics Nichols Institute San Juan Capistrano); PubMed 29625052 (cited by Quest Diagnostics Nichols Institute San Juan Capistrano); PubMed 35218119 (cited by Quest Diagnostics Nichols Institute San Juan Capistrano); PubMed 30458859 (cited by 3 submitters); PubMed 36451132 (cited by Quest Diagnostics Nichols Institute San Juan Capistrano); PubMed 31853058 (cited by Quest Diagnostics Nichols Institute San Juan Capistrano and Color Diagnostics, LLC DBA Color Health); PubMed 37085799 (cited by Quest Diagnostics Nichols Institute San Juan Capistrano and Color Diagnostics, LLC DBA Color Health); PubMed 17972177 (cited by 5 submitters); PubMed 35402282 (cited by 4 submitters); PubMed 24504028 (cited by 5 submitters); PubMed 27403073 (cited by 5 submitters); PubMed 27257965 (cited by 5 submitters); PubMed 31131967 (cited by Color Diagnostics, LLC DBA Color Health); PubMed 32980694 (cited by Color Diagnostics, LLC DBA Color Health and All of Us Research Program, National Institutes of Health); PubMed 39142283 (cited by Lupski Lab, Baylor-Hopkins CMG, Baylor College of Medicine); PubMed 34793697 (cited by Lupski Lab, Baylor-Hopkins CMG, Baylor College of Medicine); DOI 10.1101/2024.04.11.24305690 (cited by Lupski Lab, Baylor-Hopkins CMG, Baylor College of Medicine); PubMed 21447777 (cited by Ambry Genetics and Counsyl); PubMed 24728327 (cited by 4 submitters); PubMed 28828701 (cited by 3 submitters); PubMed 30630528 (cited by Ambry Genetics); PubMed 24845084 (cited by Women's Health and Genetics/Laboratory Corporation of America, LabCorp and Counsyl); PubMed 34981296 (cited by Women's Health and Genetics/Laboratory Corporation of America, LabCorp).